The following is an entry in ClinVar:

ClinVar aggregate classification (germline): Uncertain significance. Review status: criteria provided, multiple submitters, no conflicts (2 of 4 stars). 2 submissions from 2 submitters: Uncertain significance (2). Last evaluated 2025-10-22.

Conditions:
Inborn genetic diseases. Identifiers: MedGen C0950123, MeSH D030342.
Microcephaly, epilepsy, and diabetes syndrome. Identifiers: Orphanet 306558, MedGen C3280240, MONDO:0100328.

Allele frequency attached by ClinVar (database versions not stated): ExAC 0.00001.
gnomAD v4.1: 4 of 1,613,936 alleles (0.00025%); highest among the groups gnomAD compares: Non-Finnish European, 0.00025%; no homozygotes.

Submissions (2):

Ambry Genetics
Classification: Uncertain significance for Inborn genetic diseases. Last evaluated: 2025-10-22. Review status: criteria provided, single submitter. Criteria: Ambry Variant Classification Scheme 2023. Collection method: clinical testing. Allele origin: germline.

Labcorp Genetics (formerly Invitae), Labcorp
Classification: Uncertain significance for Microcephaly, epilepsy, and diabetes syndrome. Last evaluated: 2022-05-22. Review status: criteria provided, single submitter. Criteria: Invitae Variant Classification Sherloc (09022015). Collection method: clinical testing. Allele origin: germline.
Comment: This sequence change replaces asparagine, which is neutral and polar, with lysine, which is basic and polar, at codon 54 of the IER3IP1 protein (p.Asn54Lys). In summary, the available evidence is currently insufficient to determine the role of this variant in disease. Therefore, it has been classified as a Variant of Uncertain Significance. Algorithms developed to predict the effect of missense changes on protein structure and function are either unavailable or do not agree on the potential impact of this missense change (SIFT: "Tolerated"; PolyPhen-2: "Possibly Damaging"; Align-GVGD: "Class C0"). This variant has not been reported in the literature in individuals affected with IER3IP1-related conditions. This variant is present in population databases (rs764369878, gnomAD 0.002%).

NM_016097.5(IER3IP1):c.162C>A (p.Asn54Lys)

Gene: IER3IP1 (immediate early response 3 interacting protein 1; minus strand). Cytogenetic location: 18q21.1.
Variant type: single nucleotide variant.
Coding change: c.162C>A on transcript NM_016097.5 (MANE Select); coding-DNA position 162, C replaced by A.
Protein change: p.Asn54Lys; replaces asparagine 54 with lysine.
Molecular consequence: missense variant.
Genome position (GRCh38, 1-based): chr18:47,157,467, G>T on the plus strand (C>A on the coding strand, the complement: IER3IP1 is on the minus strand). VCF-style: chr18-47157467-G-T. GRCh37 (hg19) VCF-style: chr18-44683838-G-T.
Other names: c.162C>A (NM_016097.3); short protein forms N54K.
Identifiers: ClinVar variation 2154437 (VCV002154437.5), dbSNP rs764369878, ClinGen allele CA8955714.
Genomic context (GRCh38, chr18:47,157,467, plus strand): 5'-AAGAATGCTCTATTAGCTTTTCTTCTTACCTCTCATCACGGTTCTTACAGATCGAATAAG[G>T]TTCATTAGCTGTGATTTAATTCCCGGCTCTTCTCCAAATCCACCAATTCCCTGGTCTGTT-3'
Protein context (NP_057181.1, residues 44-64): EEPGIKSQLM[Asn54Lys]LIRSVRTVMR